The following is an entry in ClinVar:

ClinVar aggregate classification (germline): Uncertain significance (1 of 4 stars; one submission).

gnomAD v4.1: 2 of 1,610,216 alleles (0.00012%); highest among the groups gnomAD compares: Non-Finnish European, 0.00017%; no homozygotes.

Submission:

Labcorp Genetics (formerly Invitae), Labcorp
Classification: Uncertain significance. Last evaluated: 2023-09-11. Review status: criteria provided, single submitter. Criteria: Invitae Variant Classification Sherloc (09022015). Collection method: clinical testing. Allele origin: germline.
Comment: This sequence change disrupts the translational stop signal of the DDX58 mRNA. It is expected to extend the length of the DDX58 protein by 33 additional amino acid residues. This variant is not present in population databases (gnomAD no frequency). This variant has not been reported in the literature in individuals affected with DDX58-related conditions. In summary, the available evidence is currently insufficient to determine the role of this variant in disease. Therefore, it has been classified as a Variant of Uncertain Significance.

NM_014314.4(RIGI):c.2778A>G (p.Ter926Trp)

Gene: RIGI (RNA sensor RIG-I; minus strand). Cytogenetic location: 9p21.1.
Variant type: single nucleotide variant.
Coding change: c.2778A>G on transcript NM_014314.4 (MANE Select); coding-DNA position 2778, A replaced by G.
Protein change: p.Ter926Trp.
Molecular consequence: stop lost.
Genome position (GRCh38, 1-based): chr9:32,457,122, T>C on the plus strand (A>G on the coding strand, the complement: RIGI is on the minus strand). VCF-style: chr9-32457122-T-C. GRCh37 (hg19) VCF-style: chr9-32457120-T-C.
Other names: c.2772A>G, p.Ter924Trp (NM_001385907.1); c.2607A>G, p.Ter869Trp (NM_001385909.1); c.2337A>G, p.Ter779Trp (NM_001385910.1); c.2169A>G, p.Ter723Trp (NM_001385912.1); c.2763A>G, p.Ter921Trp (NM_001385913.1); c.2334A>G, p.Ter778Trp (NM_001385914.1).
Identifiers: ClinVar variation 2825200 (VCV002825200.3), dbSNP rs1260350530, ClinGen allele CA373141416.